The following is an entry in ClinVar:

ClinVar aggregate classification (germline): Uncertain significance. Review status: criteria provided, multiple submitters, no conflicts (2 of 4 stars). 2 submissions from 2 submitters: Uncertain significance (2). Last evaluated 2026-02-25.

Conditions:
Inborn genetic diseases. Identifiers: MedGen C0950123, MeSH D030342.
Intellectual developmental disorder, autosomal dominant 41. Also called: Intellectual disability, autosomal dominant 41. Identifiers: Orphanet 2823, MedGen C4310784, MONDO:0014842, OMIM 616944.

gnomAD v4.1: 7 of 1,613,504 alleles (0.00043%); highest among the groups gnomAD compares: East Asian, 0.0022%; no homozygotes.

Submissions (2):

Ambry Genetics
Classification: Uncertain significance for Inborn genetic diseases. Last evaluated: 2026-02-25. Review status: criteria provided, single submitter. Criteria: Ambry Variant Classification Scheme 2023. Collection method: clinical testing. Allele origin: germline.
Comment: The c.154A>G (p.I52V) alteration is located in exon 4 (coding exon 2) of the TBL1XR1 gene. This alteration results from a A to G substitution at nucleotide position 154, causing the isoleucine (I) at amino acid position 52 to be replaced by a valine (V). Based on data from gnomAD, the G allele has an overall frequency of <0.001% (1/248886) total alleles studied. The highest observed frequency was 0.003% (1/34500) of Latino alleles. Based on insufficient or conflicting evidence, the clinical significance of this alteration remains unclear.

Genomic Medicine Center of Excellence, King Faisal Specialist Hospital and Research Centre
Classification: Uncertain significance for Intellectual developmental disorder, autosomal dominant 41. Last evaluated: 2025-09-10. Review status: criteria provided, single submitter. Criteria: ACMG Guidelines, 2015. Collection method: clinical testing. Allele origin: germline.

NM_024665.7(TBL1XR1):c.154A>G (p.Ile52Val)

Gene: TBL1XR1 (TBL1X/Y related 1; minus strand). Cytogenetic location: 3q26.32.
Variant type: single nucleotide variant.
Coding change: c.154A>G on transcript NM_024665.7 (MANE Select); coding-DNA position 154, A replaced by G.
Protein change: p.Ile52Val; replaces isoleucine 52 with valine.
Molecular consequence: missense variant. On other transcripts: 5 prime UTR variant (2).
Genome position (GRCh38, 1-based): chr3:177,053,823, T>C on the plus strand (A>G on the coding strand, the complement: TBL1XR1 is on the minus strand). VCF-style: chr3-177053823-T-C. GRCh37 (hg19) VCF-style: chr3-176771611-T-C.
Other names: c.154A>G (NM_024665.4); c.154A>G, p.Ile52Val (NM_001321193.3, NM_001321194.3, NM_001374327.1 and 2 more transcripts); c.-108A>G (NM_001321195.3, NM_001374330.1); short protein forms I52V.
Identifiers: ClinVar variation 4278150 (VCV004278150.2).